The following is an entry in ClinVar:

NM_000038.6(APC):c.2395T>G (p.Tyr799Asp)

Gene: APC (APC regulator of Wnt signaling pathway; plus strand). Cytogenetic location: 5q22.2.
Variant type: single nucleotide variant.
Coding change: c.2395T>G on transcript NM_000038.6 (MANE Select); coding-DNA position 2395, T replaced by G.
Protein change: p.Tyr799Asp; replaces tyrosine 799 with aspartic acid.
Molecular consequence: missense variant. On other transcripts: non-coding transcript variant (2).
Genome position (GRCh38, 1-based): chr5:112,837,989, T>G. VCF-style: chr5-112837989-T-G. GRCh37 (hg19) VCF-style: chr5-112173686-T-G.
Other names: c.2395T>G, p.Tyr799Asp (NM_001127510.3, NM_001354895.2, NM_001407450.1); c.2341T>G, p.Tyr781Asp (NM_001127511.3); c.2449T>G, p.Tyr817Asp (NM_001354896.2, NM_001407447.1, NM_001407448.1 and 1 more transcripts); c.2425T>G, p.Tyr809Asp (NM_001354897.2); c.2320T>G, p.Tyr774Asp (NM_001354898.2); c.2311T>G, p.Tyr771Asp (NM_001354899.2); c.2272T>G, p.Tyr758Asp (NM_001354900.2); c.2218T>G, p.Tyr740Asp (NM_001354901.2, NM_001407453.1); and 11 more; short protein forms Y698D, Y708D, Y516D, Y716D, Y758D, Y774D, Y673D, Y789D.
Identifiers: ClinVar variation 3635426 (VCV003635426.2).

ClinVar aggregate classification (germline): Uncertain significance (1 of 4 stars; one submission).

Conditions:
Familial adenomatous polyposis 1 (FAP1). Also called: FAMILIAL ADENOMATOUS POLYPOSIS 1, ATTENUATED; POLYPOSIS, ADENOMATOUS INTESTINAL. Identifiers: MedGen C2713442, MONDO:0021056, OMIM 175100. Disease mechanism: loss of function.

Submission:

Labcorp Genetics (formerly Invitae), Labcorp
Classification: Uncertain significance for Familial adenomatous polyposis 1. Last evaluated: 2024-10-30. Review status: criteria provided, single submitter. Criteria: Invitae Variant Classification Sherloc (09022015). Collection method: clinical testing. Allele origin: germline.
Comment: This sequence change replaces tyrosine, which is neutral and polar, with aspartic acid, which is acidic and polar, at codon 799 of the APC protein (p.Tyr799Asp). This variant is not present in population databases (gnomAD no frequency). This variant has not been reported in the literature in individuals affected with APC-related conditions. Invitae Evidence Modeling of protein sequence and biophysical properties (such as structural, functional, and spatial information, amino acid conservation, physicochemical variation, residue mobility, and thermodynamic stability) indicates that this missense variant is not expected to disrupt APC protein function with a negative predictive value of 95%. In summary, the available evidence is currently insufficient to determine the role of this variant in disease. Therefore, it has been classified as a Variant of Uncertain Significance.